The following is an entry in ClinVar:

NM_000548.5(TSC2):c.4421G>A (p.Arg1474Lys)

Gene: TSC2 (TSC complex subunit 2; plus strand). Cytogenetic location: 16p13.3.
Variant type: single nucleotide variant.
Coding change: c.4421G>A on transcript NM_000548.5 (MANE Select); coding-DNA position 4421, G replaced by A.
Protein change: p.Arg1474Lys; replaces arginine 1474 with lysine.
Molecular consequence: missense variant.
Genome position (GRCh38, 1-based): chr16:2,084,643, G>A. VCF-style: chr16-2084643-G-A. GRCh37 (hg19) VCF-style: chr16-2134644-G-A.
Other names: c.4220G>A, p.Arg1407Lys (NM_001077183.3); c.4352G>A, p.Arg1451Lys (NM_001114382.3); c.4112G>A, p.Arg1371Lys (NM_001318827.2); c.4076G>A, p.Arg1359Lys (NM_001318829.2); c.3689G>A, p.Arg1230Lys (NM_001318831.2); c.4253G>A, p.Arg1418Lys (NM_001318832.2); c.4223G>A, p.Arg1408Lys (NM_001363528.2); c.4289G>A, p.Arg1430Lys (NM_001370404.1); and 2 more; short protein forms R1230K, R1451K, R1474K, R1430K, R1371K, R1407K, R1418K, R1431K.
Identifiers: ClinVar variation 942182 (VCV000942182.14), dbSNP rs2090535225, ClinGen allele CA394302151.
Genomic context (GRCh38, chr16:2,084,643, plus strand): 5'-GTGGCCTCCGGCCCCGAGGTTACACCATCTCCGACTCGGCCCCATCACGCAGGGGCAAGA[G>A]AGTAGAGAGGGACGCCTTAAAGAGCAGAGCCACAGCCTCCAATGCAGAGAAAGTGCCAGG-3'
Protein context (NP_000539.2, residues 1464-1484): SDSAPSRRGK[Arg1474Lys]VERDALKSRA

ClinVar aggregate classification (germline): Uncertain significance. Review status: criteria provided, multiple submitters, no conflicts (2 of 4 stars). 4 submissions from 4 submitters: Uncertain significance (3). 1 of the submissions does not count toward it. Last evaluated 2026-02-02.

Conditions:
Hereditary cancer-predisposing syndrome. Also called: Tumor predisposition; Hereditary neoplastic syndrome; Hereditary Cancer Syndrome; Neoplastic Syndromes, Hereditary. Identifiers: Orphanet 140162, MedGen C0027672, MeSH D009386, MONDO:0015356.
Isolated focal cortical dysplasia type II (FCORD2). Also called: CORTICAL DYSPLASIA OF TAYLOR; Focal cortical dysplasia type II. Identifiers: Orphanet 268994, MedGen C1846385, MONDO:0011818, OMIM 607341, HP:0032051.
TSC2-related disorder. Also called: TSC2-related condition; TSC2-Related Disorders.
Tuberous sclerosis 2 (TSC2). Identifiers: Orphanet 805, MedGen C1860707, MONDO:0013199, OMIM 613254.

Allele frequency attached by ClinVar (database versions not stated): TOPMed below 0.00001.
gnomAD v4.1: 2 of 1,599,846 alleles (0.00013%); highest among the groups gnomAD compares: Non-Finnish European, 0.000085%; no homozygotes.

Submissions (4):

Labcorp Genetics (formerly Invitae), Labcorp
Classification: Uncertain significance for Tuberous sclerosis 2. Last evaluated: 2026-02-02. Review status: criteria provided, single submitter. Criteria: Invitae Variant Classification Sherloc (09022015). Collection method: clinical testing. Allele origin: germline.
Comment: This sequence change replaces arginine, which is basic and polar, with lysine, which is basic and polar, at codon 1474 of the TSC2 protein (p.Arg1474Lys). This variant is not present in population databases (gnomAD no frequency). This variant has not been reported in the literature in individuals affected with TSC2-related conditions. ClinVar contains an entry for this variant (Variation ID: 942182). Invitae Evidence Modeling of protein sequence and biophysical properties (such as structural, functional, and spatial information, amino acid conservation, physicochemical variation, residue mobility, and thermodynamic stability) indicates that this missense variant is not expected to disrupt TSC2 protein function with a negative predictive value of 95%. In summary, the available evidence is currently insufficient to determine the role of this variant in disease. Therefore, it has been classified as a Variant of Uncertain Significance.

Ambry Genetics
Classification: Uncertain significance for Hereditary cancer-predisposing syndrome. Last evaluated: 2025-12-20. Review status: criteria provided, single submitter. Criteria: Ambry Variant Classification Scheme 2023. Collection method: clinical testing. Allele origin: germline.
Comment: The p.R1474K variant (also known as c.4421G>A), located in coding exon 33 of the TSC2 gene, results from a G to A substitution at nucleotide position 4421. The arginine at codon 1474 is replaced by lysine, an amino acid with highly similar properties. This amino acid position is not well conserved in available vertebrate species. In addition, the in silico prediction for this alteration is inconclusive. Since supporting evidence is limited at this time, the clinical significance of this alteration remains unclear.

Baylor Genetics
Classification: Uncertain significance for Isolated focal cortical dysplasia type II. Last evaluated: 2023-09-01. Review status: criteria provided, single submitter. Criteria: ACMG Guidelines, 2015. Collection method: clinical testing. Allele origin: unknown.

PreventionGenetics, part of Exact Sciences
Classification: Uncertain significance for TSC2-related condition. Last evaluated: 2024-08-21. Review status: no assertion criteria provided. Collection method: clinical testing. Allele origin: germline. Not counted in ClinVar's aggregate classification.
Comment: The TSC2 c.4421G>A variant is predicted to result in the amino acid substitution p.Arg1474Lys. To our knowledge, this variant has not been reported in the literature or in a large population database, indicating this variant is rare. At this time, the clinical significance of this variant is uncertain due to the absence of conclusive functional and genetic evidence.